The following is an entry in ClinVar:

ClinVar aggregate classification (germline): Pathogenic. Review status: criteria provided, multiple submitters, no conflicts (2 of 4 stars). 2 submissions from 2 submitters: Pathogenic (2). Last evaluated 2026-01-03.

Conditions:
Autosomal dominant familial hematuria-retinal arteriolar tortuosity-contractures syndrome. Also called: Angiopathy, hereditary, with nephropathy, aneurysms, and muscle cramps; Hereditary Angiopathy with Nephropathy, Aneurysms, and Muscle Cramps (HANAC) Syndrome. Identifiers: Orphanet 73229, MedGen C2673195, MONDO:0012726, OMIM 611773.
Brain small vessel disease 1 with or without ocular anomalies (BSVD1). Also called: PORENCEPHALY, TYPE 1, AUTOSOMAL DOMINANT; GOULD SYNDROME 1; BRAIN SMALL VESSEL DISEASE WITH HEMORRHAGE; Brain small vessel disease with or without ocular anomalies. Identifiers: Orphanet 2940, Orphanet 36383, Orphanet 99810, MedGen C4755307, MONDO:0008289, OMIM 175780.

Submissions (2):

GeneDx
Classification: Pathogenic. Last evaluated: 2026-01-03. Review status: criteria provided, single submitter. Criteria: GeneDx Variant Classification Process June 2021. Collection method: clinical testing. Allele origin: germline. Affected: yes.
Comment: Affects a glycine residue in a Gly-X-Y motif in the triple helical region of the COL4A1 gene, where the majority of pathogenic missense variants occur, and is predicted to disrupt normal protein folding and function (HGMD; PMID: 22522439, 23225343); Not observed at significant frequency in large population cohorts (gnomAD); In silico analysis supports that this missense variant has a deleterious effect on protein structure/function; This variant is associated with the following publications: (PMID: 33057194, 35982159, 33013618, 22522439, 23225343, 30413629)

Undiagnosed Diseases Network, NIH
Classification: Pathogenic for Brain small vessel disease 1 with or without ocular anomalies; Autosomal dominant familial hematuria-retinal arteriolar tortuosity-contractures syndrome. Last evaluated: 2019-02-07. Review status: criteria provided, single submitter. Criteria: ACMG Guidelines, 2015. Collection method: clinical testing. Allele origin: de novo. Inheritance: Autosomal dominant inheritance. Affected: yes. Observed: 1 variant allele, 1 heterozygote.

NM_001845.6(COL4A1):c.2228G>T (p.Gly743Val)

Gene: COL4A1 (collagen type IV alpha 1 chain; minus strand). Cytogenetic location: 13q34.
Variant type: single nucleotide variant.
Coding change: c.2228G>T on transcript NM_001845.6 (MANE Select); coding-DNA position 2228, G replaced by T.
Protein change: p.Gly743Val; replaces glycine 743 with valine.
Molecular consequence: missense variant.
Genome position (GRCh38, 1-based): chr13:110,179,387, C>A on the plus strand (G>T on the coding strand, the complement: COL4A1 is on the minus strand). VCF-style: chr13-110179387-C-A. GRCh37 (hg19) VCF-style: chr13-110831734-C-A.
Other names: short protein forms G743V.
Identifiers: ClinVar variation 389182 (VCV000389182.8), dbSNP rs1057523354, ClinGen allele CA16606631.